The following is an entry in ClinVar:

ClinVar aggregate classification (germline): Uncertain significance. Review status: criteria provided, multiple submitters, no conflicts (2 of 4 stars). 3 submissions from 3 submitters: Uncertain significance (2). 1 of the submissions does not count toward it. Last evaluated 2022-07-30.

Conditions:
Granulomatous disease, chronic, autosomal recessive, cytochrome b-negative. Also called: CGD DUE TO DEFICIENCY OF THE ALPHA SUBUNIT OF CYTOCHROME b; CGD, AUTOSOMAL RECESSIVE CYTOCHROME b-NEGATIVE; CYBA DEFICIENCY; Chronic granulomatous disease, autosomal, due to deficiency of CYBA; GRANULOMATOUS DISEASE, CHRONIC, AUTOSOMAL RECESSIVE, 4. Identifiers: Orphanet 379, MedGen C1856255, MONDO:0009308, OMIM 233690.
Chronic granulomatous disease. Identifiers: Orphanet 379, MedGen C0018203, MONDO:0018305.

Allele frequency attached by ClinVar (database versions not stated): gnomAD exomes 0.00005; TOPMed 0.00029; gnomAD 0.00032.
gnomAD v4.1: 92 of 1,533,008 alleles (0.006%); highest among the groups gnomAD compares: African/African-American, 0.06%; no homozygotes.

Submissions (3):

Labcorp Genetics (formerly Invitae), Labcorp
Classification: Uncertain significance for Granulomatous disease, chronic, autosomal recessive, cytochrome b-negative. Last evaluated: 2022-07-30. Review status: criteria provided, single submitter. Criteria: Invitae Variant Classification Sherloc (09022015). Collection method: clinical testing. Allele origin: germline.
Comment: This sequence change replaces arginine, which is basic and polar, with histidine, which is basic and polar, at codon 164 of the CYBA protein (p.Arg164His). The frequency data for this variant in the population databases is considered unreliable, as metrics indicate poor data quality at this position in the gnomAD database. This missense change has been observed in individual(s) with Crohn's disease (PMID: 29454792). ClinVar contains an entry for this variant (Variation ID: 452090). Algorithms developed to predict the effect of missense changes on protein structure and function are either unavailable or do not agree on the potential impact of this missense change (SIFT: "Deleterious"; PolyPhen-2: "Probably Damaging"; Align-GVGD: "Class C0"). In summary, the available evidence is currently insufficient to determine the role of this variant in disease. Therefore, it has been classified as a Variant of Uncertain Significance.

GeneDx
Classification: Uncertain significance. Last evaluated: 2017-09-11. Review status: criteria provided, single submitter. Criteria: GeneDx Variant Classification (06012015). Collection method: clinical testing. Allele origin: germline. Affected: yes.
Comment: The R164H variant in the CYBA gene has not been published as a pathogenic variant, nor has it been reported as a benign variant to our knowledge. Adequate data is not available in large population cohorts to assess the frequency of this variant in publicly available databases; however, this variant has not been detected at a significant frequency in presumably healthy individuals tested at GeneDx. The R164H variant is a conservative amino acid substitution, which is not likely to impact secondary protein structure as these residues share similar properties. This substitution occurs at a position that is conserved across species. In silico analysis is inconsistent in its predictions as to whether or not the variant is damaging to the protein structure/function. Based on the currently available information, it is unclear whether this variant is a pathogenic variant or a rare benign variant. We consider it to be a variant of uncertain significance.

Natera, Inc.
Classification: Uncertain significance for Chronic granulomatous disease. Last evaluated: 2020-09-16. Review status: no assertion criteria provided. Collection method: clinical testing. Allele origin: germline. Not counted in ClinVar's aggregate classification.

Literature cited by the submitters: PubMed 29454792 (cited by Labcorp Genetics (formerly Invitae), Labcorp).

NM_000101.4(CYBA):c.491G>A (p.Arg164His)

Gene: CYBA (cytochrome b-245 alpha chain; minus strand). Cytogenetic location: 16q24.2.
Variant type: single nucleotide variant.
Coding change: c.491G>A on transcript NM_000101.4 (MANE Select); coding-DNA position 491, G replaced by A.
Protein change: p.Arg164His; replaces arginine 164 with histidine.
Molecular consequence: missense variant.
Genome position (GRCh38, 1-based): chr16:88,643,450, C>T on the plus strand (G>A on the coding strand, the complement: CYBA is on the minus strand). VCF-style: chr16-88643450-C-T. GRCh37 (hg19) VCF-style: chr16-88709858-C-T.
Other names: c.491G>A (LRG_52t1); short protein forms R164H.
Identifiers: ClinVar variation 452090 (VCV000452090.6), dbSNP rs904612575, ClinGen allele CA286348260.